The following is an entry in ClinVar:

NM_005732.4(RAD50):c.3046A>G (p.Arg1016Gly)

Gene: RAD50 (RAD50 double strand break repair protein; plus strand). Cytogenetic location: 5q31.1.
Variant type: single nucleotide variant.
Coding change: c.3046A>G on transcript NM_005732.4 (MANE Select); coding-DNA position 3046, A replaced by G.
Protein change: p.Arg1016Gly; replaces arginine 1016 with glycine.
Molecular consequence: missense variant.
Genome position (GRCh38, 1-based): chr5:132,616,012, A>G. VCF-style: chr5-132616012-A-G. GRCh37 (hg19) VCF-style: chr5-131951704-A-G.
Other names: short protein forms R1016G.
Identifiers: ClinVar variation 2707114 (VCV002707114.3), dbSNP rs1220686754, ClinGen allele CA360963402.

ClinVar aggregate classification (germline): Uncertain significance (1 of 4 stars; one submission).

Conditions:
Hereditary cancer-predisposing syndrome. Also called: Hereditary neoplastic syndrome; Neoplastic Syndromes, Hereditary; Hereditary Cancer Syndrome; Tumor predisposition. Identifiers: Orphanet 140162, MedGen C0027672, MeSH D009386, MONDO:0015356.

Allele frequency attached by ClinVar (database versions not stated): gnomAD 0.00001; TOPMed 0.00001.

Submission:

Labcorp Genetics (formerly Invitae), Labcorp
Classification: Uncertain significance for Hereditary cancer-predisposing syndrome. Last evaluated: 2024-01-17. Review status: criteria provided, single submitter. Criteria: Invitae Variant Classification Sherloc (09022015). Collection method: clinical testing. Allele origin: germline.
Comment: This sequence change replaces arginine, which is basic and polar, with glycine, which is neutral and non-polar, at codon 1016 of the RAD50 protein (p.Arg1016Gly). This variant is not present in population databases (gnomAD no frequency). This variant has not been reported in the literature in individuals affected with RAD50-related conditions. Advanced modeling of protein sequence and biophysical properties (such as structural, functional, and spatial information, amino acid conservation, physicochemical variation, residue mobility, and thermodynamic stability) performed at Invitae indicates that this missense variant is expected to disrupt RAD50 protein function with a positive predictive value of 80%. In summary, the available evidence is currently insufficient to determine the role of this variant in disease. Therefore, it has been classified as a Variant of Uncertain Significance.